The following is an entry in ClinVar:

NM_024700.4(SNIP1):c.658G>A (p.Ala220Thr)

Genes: SNIP1 (Smad nuclear interacting protein 1; minus strand), LOC126805704 (BRD4-independent group 4 enhancer GRCh37_chr1:38005292-38006491; plus strand). Cytogenetic location: 1p34.3.
Variant type: single nucleotide variant.
Coding change: c.658G>A on transcript NM_024700.4 (MANE Select); coding-DNA position 658, G replaced by A.
Protein change: p.Ala220Thr; replaces alanine 220 with threonine.
Molecular consequence: missense variant.
Genome position (GRCh38, 1-based): chr1:37,540,425, C>T on the plus strand (G>A on the coding strand, the complement: SNIP1 is on the minus strand). VCF-style: chr1-37540425-C-T. GRCh37 (hg19) VCF-style: chr1-38006026-C-T.
Other names: short protein forms A220T.
Identifiers: ClinVar variation 3015527 (VCV003015527.3), dbSNP rs754170290, ClinGen allele CA771286.

ClinVar aggregate classification (germline): Uncertain significance (1 of 4 stars; one submission).

Allele frequency attached by ClinVar (database versions not stated): gnomAD exomes below 0.00001; TOPMed below 0.00001; gnomAD 0.00001; ExAC 0.00002.
gnomAD v4.1: 3 of 1,613,970 alleles (0.00019%); highest among the groups gnomAD compares: East Asian, 0.0022%; no homozygotes.

Submission:

Labcorp Genetics (formerly Invitae), Labcorp
Classification: Uncertain significance. Last evaluated: 2023-04-25. Review status: criteria provided, single submitter. Criteria: Invitae Variant Classification Sherloc (09022015). Collection method: clinical testing. Allele origin: germline.
Comment: In summary, the available evidence is currently insufficient to determine the role of this variant in disease. Therefore, it has been classified as a Variant of Uncertain Significance. Advanced modeling of protein sequence and biophysical properties (such as structural, functional, and spatial information, amino acid conservation, physicochemical variation, residue mobility, and thermodynamic stability) performed at Invitae indicates that this missense variant is not expected to disrupt SNIP1 protein function. This variant has not been reported in the literature in individuals affected with SNIP1-related conditions. This variant is present in population databases (rs754170290, gnomAD 0.003%). This sequence change replaces alanine, which is neutral and non-polar, with threonine, which is neutral and polar, at codon 220 of the SNIP1 protein (p.Ala220Thr).